The following is an entry in ClinVar:

NM_001943.5(DSG2):c.107A>C (p.Lys36Thr)

Gene: DSG2 (desmoglein 2; plus strand). Cytogenetic location: 18q12.1.
Variant type: single nucleotide variant.
Coding change: c.107A>C on transcript NM_001943.5 (MANE Select); coding-DNA position 107, A replaced by C.
Protein change: p.Lys36Thr; replaces lysine 36 with threonine.
Molecular consequence: missense variant.
Genome position (GRCh38, 1-based): chr18:31,519,828, A>C. VCF-style: chr18-31519828-A-C. GRCh37 (hg19) VCF-style: chr18-29099791-A-C.
Other names: short protein forms K36T.
Identifiers: ClinVar variation 2775204 (VCV002775204.2), dbSNP rs2510910298, ClinGen allele CA402130646.
Genomic context (GRCh38, chr18:31,519,828, plus strand): 5'-ACATAATAAATTTTGGCAATATTCTATTGTTATAGGTCTTAAGCACAAGAAATGAAAATA[A>C]GCTGCTTCCTAAACATCCTCATTTAGTGCGGCAAAAGCGCGCCTGGATCACCGCCCCCGT-3'
Protein context (NP_001934.2, residues 26-46): LQVLSTRNEN[Lys36Thr]LLPKHPHLVR

ClinVar aggregate classification (germline): Uncertain significance (1 of 4 stars; one submission).

Conditions:
Cardiomyopathy (CMYO). Also called: Cardiomyopathies. Identifiers: Orphanet 167848, MedGen C0878544, MONDO:0004994, HP:0001638. Inheritance: Various modes of inheritance.

Submission:

Color Diagnostics, LLC DBA Color Health
Classification: Uncertain significance for Cardiomyopathy. Last evaluated: 2023-09-18. Review status: criteria provided, single submitter. Criteria: ACMG Guidelines, 2015. Collection method: clinical testing. Allele origin: germline.
Comment: This missense variant replaces lysine with threonine at codon 36 of the DSG2 protein. Computational prediction suggests that this variant may not impact protein structure and function (internally defined REVEL score threshold <= 0.5, PMID: 27666373). To our knowledge, functional studies have not been reported for this variant. This variant has not been reported in individuals affected with DSG2-related disorders in the literature. This variant has not been identified in the general population by the Genome Aggregation Database (gnomAD). The available evidence is insufficient to determine the role of this variant in disease conclusively. Therefore, this variant is classified as a Variant of Uncertain Significance.